The following is an entry in ClinVar:

NM_004260.4(RECQL4):c.3136G>A (p.Glu1046Lys)

Gene: RECQL4 (RecQ like helicase 4; minus strand). Cytogenetic location: 8q24.3.
Variant type: single nucleotide variant.
Coding change: c.3136G>A on transcript NM_004260.4 (MANE Select); coding-DNA position 3136, G replaced by A.
Protein change: p.Glu1046Lys; replaces glutamic acid 1046 with lysine.
Molecular consequence: missense variant.
Genome position (GRCh38, 1-based): chr8:144,512,244, C>T on the plus strand (G>A on the coding strand, the complement: RECQL4 is on the minus strand). VCF-style: chr8-144512244-C-T. GRCh37 (hg19) VCF-style: chr8-145737627-C-T.
Other names: short protein forms E1046K.
Identifiers: ClinVar variation 800340 (VCV000800340.4), dbSNP rs771349728, ClinGen allele CA4947918.

ClinVar aggregate classification (germline): Uncertain significance. Review status: criteria provided, single submitter (1 of 4 stars). 2 submissions from 2 submitters: Uncertain significance (1). 1 of the submissions does not count toward it. Last evaluated 2021-09-23.

Conditions:
Multiple myeloma (MM). Also called: Multiple myeloma, somatic; Plasma cell myeloma. Identifiers: Orphanet 29073, Orphanet 85443, MedGen C0026764, MeSH D009101, MONDO:0009693, OMIM 254500, HP:0006775.
Baller-Gerold syndrome (BGS). Also called: CRANIOSYNOSTOSIS WITH RADIAL DEFECTS. Identifiers: Orphanet 1225, MedGen C0265308, MONDO:0009039, OMIM 218600.

Allele frequency attached by ClinVar (database versions not stated): 1000 Genomes Project 30x 0.00016; ExAC 0.00001.

Submissions (2):

Labcorp Genetics (formerly Invitae), Labcorp
Classification: Uncertain significance for Baller-Gerold syndrome. Last evaluated: 2021-09-23. Review status: criteria provided, single submitter. Criteria: Invitae Variant Classification Sherloc (09022015). Collection method: clinical testing. Allele origin: germline.
Comment: This sequence change replaces glutamic acid with lysine at codon 1046 of the RECQL4 protein (p.Glu1046Lys). The glutamic acid residue is highly conserved and there is a small physicochemical difference between glutamic acid and lysine. This variant is present in population databases (rs771349728, ExAC 0.01%). This variant has not been reported in the literature in individuals affected with RECQL4-related conditions. ClinVar contains an entry for this variant (Variation ID: 800340). Experimental studies and prediction algorithms are not available or were not evaluated, and the functional significance of this variant is currently unknown. In summary, the available evidence is currently insufficient to determine the role of this variant in disease. Therefore, it has been classified as a Variant of Uncertain Significance.

Xiao lab, Department of Pathology, Memorial Sloan Kettering Cancer Center
Classification: Likely pathogenic for Multiple myeloma. Last evaluated: 2019-08-31. Review status: no assertion criteria provided. Collection method: clinical testing. Allele origin: somatic. Affected: yes. Not counted in ClinVar's aggregate classification.